The following is an entry in ClinVar:

ClinVar aggregate classification (germline): Likely benign (1 of 4 stars; one submission).

Submission:

CeGaT Center for Human Genetics Tuebingen
Classification: Likely benign. Last evaluated: 2026-04-01. Review status: criteria provided, single submitter. Criteria: CeGaT Center For Human Genetics Tuebingen Variant Classification Criteria Version 2. Collection method: clinical testing. Allele origin: germline. Affected: yes. Observed: 3 variant alleles.
Comment: MUC5B: PM2:Supporting, BP4, BP7

NM_002458.3(MUC5B):c.3096T>C (p.Asn1032=)

Gene: MUC5B (mucin 5B, oligomeric mucus/gel-forming; plus strand). Cytogenetic location: 11p15.5.
Variant type: single nucleotide variant.
Coding change: c.3096T>C on transcript NM_002458.3 (MANE Select); coding-DNA position 3096, T replaced by C.
Protein change: p.Asn1032=; no amino-acid change (asparagine 1032 retained).
Molecular consequence: synonymous variant.
Genome position (GRCh38, 1-based): chr11:1,236,963, T>C. VCF-style: chr11-1236963-T-C. GRCh37 (hg19) VCF-style: chr11-1258193-T-C.
Identifiers: ClinVar variation 4280747 (VCV004280747.7).
Genomic context (GRCh38, chr11:1,236,963, plus strand): 5'-CACTCTCTCGCTGCCTCTGCAGGGCAGGGTCTGCGGCCTGTGCGGGAACTTCGACGACAA[T>C]GCCATCAATGACTTTGCCACGCGTAGCCGGTCCGTGGTGGGGGACGCACTGGAGTTTGGG-3'
Protein context (NP_002449.2, residues 1022-1042): VCGLCGNFDD[Asn1032=]AINDFATRSR